The following is an entry in ClinVar:

ClinVar aggregate classification (germline): Conflicting classifications of pathogenicity. Review status: criteria provided, conflicting classifications (1 of 4 stars). 2 submissions from 2 submitters: Uncertain significance (1); Likely benign (1). Last evaluated 2024-11-25.

Conditions:
Inborn genetic diseases. Identifiers: MedGen C0950123, MeSH D030342.
Deafness-lymphedema-leukemia syndrome. Also called: Emberger syndrome; Lymphedema, primary, with myelodysplasia. Identifiers: Orphanet 3226, MedGen C3279664, MONDO:0013540, OMIM 614038.
Monocytopenia with susceptibility to infections. Also called: GATA2 DEFICIENCY; MONOCYTOPENIA AND MYCOBACTERIAL INFECTION SYNDROME; MONOCYTOPENIA WITH SUSCEPTIBILITY TO MYCOBACTERIAL, FUNGAL, AND PAPILLOMAVIRUS INFECTIONS AND MYELODYSPLASIA; COMBINED IMMUNODEFICIENCY WITH SUSCEPTIBILITY TO MYCOBACTERIAL, VIRAL, AND FUNGAL INFECTIONS; IMMUNODEFICIENCY 21; Dendritic cell, monocyte, B lymphocyte, and natural killer lymphocyte deficiency. Identifiers: Orphanet 228423, MedGen C3280030, MONDO:0013607, OMIM 614172.

Allele frequency attached by ClinVar (database versions not stated): TOPMed below 0.00001; gnomAD 0.00001; gnomAD exomes 0.00001.

Submissions (2):

Ambry Genetics
Classification: Uncertain significance for Inborn genetic diseases. Last evaluated: 2024-11-25. Review status: criteria provided, single submitter. Criteria: Ambry Variant Classification Scheme 2023. Collection method: clinical testing. Allele origin: germline.
Comment: The p.V3A variant (also known as c.8T>C), located in coding exon 1 of the GATA2 gene, results from a T to C substitution at nucleotide position 8. The valine at codon 3 is replaced by alanine, an amino acid with similar properties. This amino acid position is conserved. In addition, the in silico prediction for this alteration is inconclusive. Based on the available evidence, the clinical significance of this variant remains unclear.

Labcorp Genetics (formerly Invitae), Labcorp
Classification: Likely benign for Monocytopenia with susceptibility to infections; Deafness-lymphedema-leukemia syndrome. Last evaluated: 2023-05-07. Review status: criteria provided, single submitter. Criteria: Invitae Variant Classification Sherloc (09022015). Collection method: clinical testing. Allele origin: germline.

NM_032638.5(GATA2):c.8T>C (p.Val3Ala)

Gene: GATA2 (GATA binding protein 2; minus strand). Cytogenetic location: 3q21.3.
Variant type: single nucleotide variant.
Coding change: c.8T>C on transcript NM_032638.5 (MANE Select); coding-DNA position 8, T replaced by C.
Protein change: p.Val3Ala; replaces valine 3 with alanine.
Molecular consequence: missense variant.
Genome position (GRCh38, 1-based): chr3:128,487,024, A>G on the plus strand (T>C on the coding strand, the complement: GATA2 is on the minus strand). VCF-style: chr3-128487024-A-G. GRCh37 (hg19) VCF-style: chr3-128205867-A-G.
Other names: c.8T>C, p.Val3Ala (NM_001145661.2, NM_001145662.1); short protein forms V3A.
Identifiers: ClinVar variation 835495 (VCV000835495.8), dbSNP rs1220018679, ClinGen allele CA354409342.